The following is an entry in ClinVar:

ClinVar aggregate classification (germline): Uncertain significance. Review status: criteria provided, multiple submitters, no conflicts (2 of 4 stars). 2 submissions from 2 submitters: Uncertain significance (2). Last evaluated 2024-10-21.

Allele frequency attached by ClinVar (database versions not stated): gnomAD exomes 0.00001; ExAC 0.00002; gnomAD 0.00003 and 0.00004; TOPMed 0.00003.
gnomAD v4.1: 27 of 1,597,874 alleles (0.0017%); highest among the groups gnomAD compares: Non-Finnish European, 0.0022%; no homozygotes.

Submissions (2):

Blueprint Genetics
Classification: Uncertain significance. Last evaluated: 2024-10-21. Review status: criteria provided, single submitter. Criteria: ACMG Guidelines, 2015. Collection method: clinical testing. Allele origin: germline.

Labcorp Genetics (formerly Invitae), Labcorp
Classification: Uncertain significance. Last evaluated: 2022-06-27. Review status: criteria provided, single submitter. Criteria: Invitae Variant Classification Sherloc (09022015). Collection method: clinical testing. Allele origin: germline.
Comment: This sequence change replaces alanine with threonine at codon 1182 of the COL18A1 protein (p.Ala1182Thr). There is a small physicochemical difference between alanine and threonine. The frequency data for this variant in the population databases is considered unreliable, as metrics indicate poor data quality at this position in the gnomAD database. This variant has not been reported in the literature in individuals affected with COL18A1-related conditions. Experimental studies and prediction algorithms are not available or were not evaluated, and the functional significance of this variant is currently unknown. In summary, the available evidence is currently insufficient to determine the role of this variant in disease. Therefore, it has been classified as a Variant of Uncertain Significance.

NM_001379500.1(COL18A1):c.3553G>A (p.Ala1185Thr)

Genes: COL18A1 (collagen type XVIII alpha 1 chain; plus strand), SLC19A1 (solute carrier family 19 member 1; minus strand). Cytogenetic location: 21q22.3.
Variant type: single nucleotide variant.
Coding change: c.3553G>A on transcript NM_001379500.1 (MANE Select); coding-DNA position 3553, G replaced by A.
Protein change: p.Ala1185Thr; replaces alanine 1185 with threonine.
Molecular consequence: missense variant.
Genome position (GRCh38, 1-based): chr21:45,510,121, G>A. VCF-style: chr21-45510121-G-A. GRCh37 (hg19) VCF-style: chr21-46930035-G-A.
Other names: c.4084G>A, p.Ala1362Thr (NM_030582.4); c.4789G>A, p.Ala1597Thr (NM_130444.3); short protein forms A1362T, A1597T, A1185T.
Identifiers: ClinVar variation 1480391 (VCV001480391.4), dbSNP rs769603874, ClinGen allele CA10067955.